The following is an entry in ClinVar:

ClinVar aggregate classification (germline): Uncertain significance (1 of 4 stars; one submission).

Submission:

Labcorp Genetics (formerly Invitae), Labcorp
Classification: Uncertain significance. Last evaluated: 2024-04-07. Review status: criteria provided, single submitter. Criteria: Invitae Variant Classification Sherloc (09022015). Collection method: clinical testing. Allele origin: germline.
Comment: This sequence change replaces glutamic acid, which is acidic and polar, with aspartic acid, which is acidic and polar, at codon 22 of the RP2 protein (p.Glu22Asp). This variant is not present in population databases (gnomAD no frequency). This variant has not been reported in the literature in individuals affected with RP2-related conditions. Advanced modeling of protein sequence and biophysical properties (such as structural, functional, and spatial information, amino acid conservation, physicochemical variation, residue mobility, and thermodynamic stability) has been performed at Invitae for this missense variant, however the output from this modeling did not meet the statistical confidence thresholds required to predict the impact of this variant on RP2 protein function. In summary, the available evidence is currently insufficient to determine the role of this variant in disease. Therefore, it has been classified as a Variant of Uncertain Significance.

NM_006915.3(RP2):c.66G>C (p.Glu22Asp)

Genes: RP2 (RP2 activator of ARL3 GTPase; plus strand), LOC130068202 (ATAC-STARR-seq lymphoblastoid active region 29577; plus strand). Cytogenetic location: Xp11.3.
Variant type: single nucleotide variant.
Coding change: c.66G>C on transcript NM_006915.3 (MANE Select); coding-DNA position 66, G replaced by C.
Protein change: p.Glu22Asp; replaces glutamic acid 22 with aspartic acid.
Molecular consequence: missense variant.
Genome position (GRCh38, 1-based): chrX:46,837,166, G>C. VCF-style: chrX-46837166-G-C. GRCh37 (hg19) VCF-style: chrX-46696601-G-C.
Other names: short protein forms E22D.
Identifiers: ClinVar variation 3688891 (VCV003688891.2).
Genomic context (GRCh38, chrX:46,837,166, plus strand): 5'-CTGCTTCTTCTCCAAGAGACGGAAGGCTGACAAGGAGTCGCGGCCCGAGAACGAGGAGGA[G>C]CGGCCAAAGCAGTACAGCTGGGATCAGCGCGAGAAGGTAATGAAAGTCGTGTAGCCGCCG-3'
Protein context (NP_008846.2, residues 12-32): DKESRPENEE[Glu22Asp]RPKQYSWDQR